The following is an entry in ClinVar:

ClinVar aggregate classification (germline): Benign/Likely benign. Review status: criteria provided, multiple submitters, no conflicts (2 of 4 stars). 2 submissions from 2 submitters: Benign (1); Likely benign (1). Last evaluated 2025-02-16.

Conditions:
Leigh syndrome (NULS). Also called: Leigh's necrotizing encephalopathy; Leigh's disease; Leigh Syndrome (mtDNA deletion); Leigh Disease; Subacute necrotizing encephalopathy; Necrotizing encephalopathy infantile subacute of Leigh. Identifiers: Orphanet 506, MedGen C2931891, MONDO:0009723, OMIM 256000.

Submissions (2):

Laboratory of Genetics, Children's Clinical University Hospital Latvia
Classification: Likely benign. Last evaluated: 2025-02-16. Review status: criteria provided, single submitter. Criteria: ACMG Guidelines, 2015. Collection method: clinical testing. Allele origin: germline. Affected: yes.

Wong Mito Lab, Molecular and Human Genetics, Baylor College of Medicine
Classification: Benign for Leigh syndrome. Last evaluated: 2019-10-17. Review status: criteria provided, single submitter. Criteria: Modified ACMG Guidelines (Unpublished). Collection method: clinical testing. Allele origin: germline.
Comment: The NC_012920.1:m.7598G>A (YP_003024029.1:p.Ala4Thr) variant in MTCO2 gene is interpretated to be a Benign variant based on the modified ACMG guidelines (unpublished). This variant meets the following evidence codes: BS1, BS2

NC_012920.1(MT-CO2):m.7598G>A

Gene: MT-CO2 (mitochondrially encoded cytochrome c oxidase II; plus strand).
Variant type: single nucleotide variant.
Genome position: chrM-7598-G-A.
Identifiers: ClinVar variation 692748 (VCV000692748.2), dbSNP rs386420012, ClinGen allele CA337097656.